The following is an entry in ClinVar:

NM_002709.3(PPP1CB):c.31C>G (p.Leu11Val)

Gene: PPP1CB (protein phosphatase 1 catalytic subunit beta; plus strand). Cytogenetic location: 2p23.2.
Variant type: single nucleotide variant.
Coding change: c.31C>G on transcript NM_002709.3 (MANE Select); coding-DNA position 31, C replaced by G.
Protein change: p.Leu11Val; replaces leucine 11 with valine.
Molecular consequence: missense variant.
Genome position (GRCh38, 1-based): chr2:28,752,155, C>G. VCF-style: chr2-28752155-C-G. GRCh37 (hg19) VCF-style: chr2-28975021-C-G.
Other names: c.31C>G, p.Leu11Val (NM_206876.2); short protein forms L11V.
Identifiers: ClinVar variation 981574 (VCV000981574.5), dbSNP rs960710587, ClinGen allele CA346584410.

ClinVar aggregate classification (germline): Uncertain significance. Review status: criteria provided, multiple submitters, no conflicts (2 of 4 stars). 3 submissions from 3 submitters: Uncertain significance (2). 1 of the submissions does not count toward it. Last evaluated 2025-12-22.

Conditions:
Cardiovascular phenotype. Identifiers: MedGen CN230736.
Noonan syndrome (NS). Also called: Noonan's syndrome. Identifiers: Orphanet 648, MedGen C0028326, MeSH D009634, MONDO:0018997. Disease mechanism: gain of function.

gnomAD v4.1: 2 of 1,548,534 alleles (0.00013%); highest among the groups gnomAD compares: Non-Finnish European, 0.00017%; no homozygotes.

Submissions (3):

Ambry Genetics
Classification: Uncertain significance for Cardiovascular phenotype. Last evaluated: 2025-12-22. Review status: criteria provided, single submitter. Criteria: Ambry Variant Classification Scheme 2023. Collection method: clinical testing. Allele origin: germline.

GeneDx
Classification: Uncertain significance. Last evaluated: 2021-07-09. Review status: criteria provided, single submitter. Criteria: GeneDx Variant Classification Process June 2021. Collection method: clinical testing. Allele origin: germline. Affected: yes.
Comment: Not observed in large population cohorts (Lek et al., 2016); In silico analysis supports that this missense variant does not alter protein structure/function; Has not been previously published as pathogenic or benign to our knowledge

Service de Génétique Moléculaire, Hôpital Robert Debré
Classification: Likely benign for Noonan syndrome. Review status: no assertion criteria provided. Collection method: clinical testing. Allele origin: maternal. Affected: no. Not counted in ClinVar's aggregate classification.